The following is an entry in ClinVar:

NM_016734.3(PAX5):c.959C>G (p.Pro320Arg)

Gene: PAX5 (paired box 5; minus strand). Cytogenetic location: 9p13.2.
Variant type: single nucleotide variant.
Coding change: c.959C>G on transcript NM_016734.3 (MANE Select); coding-DNA position 959, C replaced by G.
Protein change: p.Pro320Arg; replaces proline 320 with arginine.
Molecular consequence: missense variant. On other transcripts: non-coding transcript variant (2), intron variant (6).
Genome position (GRCh38, 1-based): chr9:36,882,057, G>C on the plus strand (C>G on the coding strand, the complement: PAX5 is on the minus strand). VCF-style: chr9-36882057-G-C. GRCh37 (hg19) VCF-style: chr9-36882054-G-C.
Other names: c.959C>G, p.Pro320Arg (NM_001280548.2); c.830C>G, p.Pro277Arg (NM_001280553.2, NM_001280554.2); c.635C>G, p.Pro212Arg (NM_001280556.2); c.586+41298C>G (NM_001280551.2); c.713-35128C>G (NM_001280555.2); c.781-41421C>G (NM_001280550.2); c.781-35128C>G (NM_001280549.2); c.910+41298C>G (NM_001280552.2); and 1 more; short protein forms P212R, P277R, P320R.
Identifiers: ClinVar variation 2446680 (VCV002446680.3), dbSNP rs2131763339, ClinGen allele CA373487166.

ClinVar aggregate classification (germline): Uncertain significance (1 of 4 stars; one submission).

Submission:

GeneDx
Classification: Uncertain significance. Last evaluated: 2023-08-18. Review status: criteria provided, single submitter. Criteria: GeneDx Variant Classification Process June 2021. Collection method: clinical testing. Allele origin: germline. Affected: yes.
Comment: Not observed at significant frequency in large population cohorts (gnomAD); In silico analysis supports that this missense variant has a deleterious effect on protein structure/function; Has not been previously published as pathogenic or benign to our knowledge